The following is an entry in ClinVar:

ClinVar aggregate classification (germline): Likely benign (0 of 4 stars; one submission).

Conditions:
NF1-related disorder. Also called: NF1-related condition. Identifiers: MedGen CN379171.

Allele frequency attached by ClinVar (database versions not stated): gnomAD 0.00019; TOPMed 0.00045; 1000 Genomes Project 0.00060; 1000 Genomes Project 30x 0.00062.

Submission:

PreventionGenetics, part of Exact Sciences
Classification: Likely benign for NF1-related condition. Last evaluated: 2020-01-29. Review status: no assertion criteria provided. Collection method: clinical testing. Allele origin: germline.
Comment: This variant is classified as likely benign based on ACMG/AMP sequence variant interpretation guidelines (Richards et al. 2015 PMID: 25741868, with internal and published modifications).

NM_001042492.3(NF1):c.888+660A>G

Gene: NF1 (neurofibromin 1; plus strand). Cytogenetic location: 17q11.2.
Variant type: single nucleotide variant.
Coding change: c.888+660A>G on transcript NM_001042492.3 (MANE Select); 660 bases into the intron after coding-DNA position 888, A replaced by G.
Molecular consequence: intron variant.
Genome position (GRCh38, 1-based): chr17:31,183,325, A>G. VCF-style: chr17-31183325-A-G. GRCh37 (hg19) VCF-style: chr17-29510343-A-G.
Other names: c.888+660A>G (NM_000267.4, NM_001128147.3).
Identifiers: ClinVar variation 3052133 (VCV003052133.2), dbSNP rs537175159, ClinGen allele CA289335520.